The following is an entry in ClinVar:

ClinVar aggregate classification (germline): Uncertain significance (1 of 4 stars; one submission).

Submission:

ARUP Laboratories, Molecular Genetics and Genomics, ARUP Laboratories
Classification: Uncertain significance. Last evaluated: 2018-05-06. Review status: criteria provided, single submitter. Criteria: ARUP Molecular Germline Variant Investigation Process. Collection method: clinical testing. Allele origin: germline.
Comment: The PDE6A c.1057A>G; p.Asn353Asp variant, to our knowledge, is not reported in the medical literature, in gene-specific databases, or in the ClinVar database. The variant is also absent from the general population databases (1000 Genomes Project, Exome Variant Server, and Genome Aggregation Database), indicating it is not a common polymorphism. The asparagine at codon 353 is conserved and computational analyses (SIFT, PolyPhen-2) predict that this variant is deleterious. Considering available information, there is insufficient evidence to classify this variant with certainty. Pathogenic PDE6A variants are causative for autosomal recessive retinitis pigmentosa (MIM: 613810).

NM_000440.3(PDE6A):c.1057A>G (p.Asn353Asp)

Gene: PDE6A (phosphodiesterase 6A; minus strand). Cytogenetic location: 5q32.
Variant type: single nucleotide variant.
Coding change: c.1057A>G on transcript NM_000440.3 (MANE Select); coding-DNA position 1057, A replaced by G.
Protein change: p.Asn353Asp; replaces asparagine 353 with aspartic acid.
Molecular consequence: missense variant.
Genome position (GRCh38, 1-based): chr5:149,907,320, T>C on the plus strand (A>G on the coding strand, the complement: PDE6A is on the minus strand). VCF-style: chr5-149907320-T-C. GRCh37 (hg19) VCF-style: chr5-149286883-T-C.
Other names: short protein forms N353D.
Identifiers: ClinVar variation 618779 (VCV000618779.8), dbSNP rs1561751067, ClinGen allele CA361698758.